The following is an entry in ClinVar:

NM_032383.5(HPS3):c.142G>C (p.Gly48Arg)

Gene: HPS3 (HPS3 biogenesis of lysosomal organelles complex 2 subunit 1; plus strand). Cytogenetic location: 3q24.
Variant type: single nucleotide variant.
Coding change: c.142G>C on transcript NM_032383.5 (MANE Select); coding-DNA position 142, G replaced by C.
Protein change: p.Gly48Arg; replaces glycine 48 with arginine.
Molecular consequence: missense variant.
Genome position (GRCh38, 1-based): chr3:149,129,865, G>C. VCF-style: chr3-149129865-G-C. GRCh37 (hg19) VCF-style: chr3-148847652-G-C.
Other names: c.142G>C, p.Gly48Arg (NM_001308258.2); c.142G>C (NM_032383.3); short protein forms G48R.
Identifiers: ClinVar variation 3339045 (VCV003339045.2).

ClinVar aggregate classification (germline): Uncertain significance. Review status: criteria provided, multiple submitters, no conflicts (2 of 4 stars). 2 submissions from 2 submitters: Uncertain significance (2). Last evaluated 2025-01-14.

Conditions:
Inborn genetic diseases. Identifiers: MedGen C0950123, MeSH D030342.

gnomAD v4.1: 12 of 1,598,266 alleles (0.00075%); highest among the groups gnomAD compares: Non-Finnish European, 0.001%; no homozygotes.

Submissions (2):

Ambry Genetics
Classification: Uncertain significance for Inborn genetic diseases. Last evaluated: 2025-01-14. Review status: criteria provided, single submitter. Criteria: Ambry Variant Classification Scheme 2023. Collection method: clinical testing. Allele origin: germline.

Women's Health and Genetics/Laboratory Corporation of America, LabCorp
Classification: Uncertain significance. Last evaluated: 2024-07-08. Review status: criteria provided, single submitter. Criteria: LabCorp Variant Classification Summary - May 2015. Collection method: clinical testing. Allele origin: germline.
Comment: Variant summary: HPS3 c.142G>C (p.Gly48Arg) results in a non-conservative amino acid change located in the BLOC-2 complex member HPS3, N-terminal domain (IPR029437) of the encoded protein sequence. Four of five in-silico tools predict a benign effect of the variant on protein function. The variant allele was found at a frequency of 1.4e-05 in 215618 control chromosomes (gnomAD). The available data on variant occurrences in the general population are insufficient to allow any conclusion about variant significance. To our knowledge, no occurrence of c.142G>C in individuals affected with Hermansky-Pudlak Syndrome and no experimental evidence demonstrating its impact on protein function have been reported. No submitters have cited clinical-significance assessments for this variant to ClinVar. Based on the evidence outlined above, the variant was classified as uncertain significance.